The following is an entry in ClinVar:

ClinVar aggregate classification (germline): Uncertain significance (1 of 4 stars; one submission).

Conditions:
FOXP2-related disorder. Also called: FOXP2-related condition.

gnomAD v4.1: 10 of 1,613,748 alleles (0.00062%); highest among the groups gnomAD compares: South Asian, 0.0011%; no homozygotes.

Submission:

PreventionGenetics, part of Exact Sciences
Classification: Uncertain significance for FOXP2-related condition. Last evaluated: 2022-10-06. Review status: criteria provided, single submitter. Criteria: ACMG Guidelines, 2015. Collection method: clinical testing. Allele origin: germline.
Comment: The FOXP2 c.998A>G variant is predicted to result in the amino acid substitution p.His333Arg. To our knowledge, this variant has not been reported in the literature. This variant is reported in 0.0033% of alleles in individuals of South Asian descent in gnomAD. At this time, the clinical significance of this variant is uncertain due to the absence of conclusive functional and genetic evidence.

NM_014491.4(FOXP2):c.998A>G (p.His333Arg)

Gene: FOXP2 (forkhead box P2; plus strand). Cytogenetic location: 7q31.1.
Variant type: single nucleotide variant.
Coding change: c.998A>G on transcript NM_014491.4 (MANE Select); coding-DNA position 998, A replaced by G.
Protein change: p.His333Arg; replaces histidine 333 with arginine.
Molecular consequence: missense variant. On other transcripts: non-coding transcript variant (2).
Genome position (GRCh38, 1-based): chr7:114,644,693, A>G. VCF-style: chr7-114644693-A-G. GRCh37 (hg19) VCF-style: chr7-114284748-A-G.
Other names: c.995A>G, p.His332Arg (NM_001172766.3); c.1073A>G, p.His358Arg (NM_001172767.2, NM_148898.4); c.-352A>G (NM_001172777.1); c.998A>G, p.His333Arg (NM_148899.3); c.1049A>G, p.His350Arg (NM_148900.4); short protein forms H332R, H333R, H350R, H358R.
Identifiers: ClinVar variation 2637239 (VCV002637239.1), dbSNP rs372704196, ClinGen allele CA368963904.
Genomic context (GRCh38, chr7:114,644,693, plus strand): 5'-CAACGATTATAGCTTTTTGAGATGAATCTGACGTCGTGTTCTTTTGCTACAGCTCGTCAC[A>G]TGAGGAGACTGGGGCCTCTCACACTCTCTATGGCCATGGAGTTTGCAAATGGCCAGGCTG-3'
Protein context (NP_055306.1, residues 323-343): VLSARRDSSS[His333Arg]EETGASHTLY